The following is an entry in ClinVar:

NM_000350.3(ABCA4):c.2759G>T (p.Arg920Leu)

Gene: ABCA4 (ATP binding cassette subfamily A member 4; minus strand). Cytogenetic location: 1p22.1.
Variant type: single nucleotide variant.
Coding change: c.2759G>T on transcript NM_000350.3 (MANE Select); coding-DNA position 2759, G replaced by T.
Protein change: p.Arg920Leu; replaces arginine 920 with leucine.
Molecular consequence: missense variant.
Genome position (GRCh38, 1-based): chr1:94,047,078, C>A on the plus strand (G>T on the coding strand, the complement: ABCA4 is on the minus strand). VCF-style: chr1-94047078-C-A. GRCh37 (hg19) VCF-style: chr1-94512634-C-A.
Other names: c.2537G>T, p.Arg846Leu (NM_001425324.1); short protein forms R846L, R920L.
Identifiers: ClinVar variation 2965535 (VCV002965535.3), dbSNP rs376526710, ClinGen allele CA958162.
Genomic context (GRCh38, chr1:94,047,078, plus strand): 5'-GGCTCAAAAATCTTTACCAGATTCTTCACGCATACCCCAGGAACCCACCCTGGATGCTCA[C>A]GTTCAAAGAAGGAGTCTTGGAGGAAAAAAAATGAACATGATGTAAACATAATGCCTAATT-3'
Protein context (NP_000341.2, residues 910-930): PEGIHDSFFE[Arg920Leu]EHPGWVPGVC

ClinVar aggregate classification (germline): Uncertain significance (1 of 4 stars; one submission).

gnomAD v4.1: 2 of 1,613,986 alleles (0.00012%); highest among the groups gnomAD compares: African/African-American, 0.0027%; no homozygotes.

Submission:

Labcorp Genetics (formerly Invitae), Labcorp
Classification: Uncertain significance. Last evaluated: 2023-06-14. Review status: criteria provided, single submitter. Criteria: Invitae Variant Classification Sherloc (09022015). Collection method: clinical testing. Allele origin: germline.
Comment: In summary, the available evidence is currently insufficient to determine the role of this variant in disease. Therefore, it has been classified as a Variant of Uncertain Significance. This sequence change replaces arginine, which is basic and polar, with leucine, which is neutral and non-polar, at codon 920 of the ABCA4 protein (p.Arg920Leu). This variant is present in population databases (rs376526710, gnomAD 0.007%). This variant has not been reported in the literature in individuals affected with ABCA4-related conditions. Advanced modeling of protein sequence and biophysical properties (such as structural, functional, and spatial information, amino acid conservation, physicochemical variation, residue mobility, and thermodynamic stability) performed at Invitae indicates that this missense variant is not expected to disrupt ABCA4 protein function.